The following is an entry in ClinVar:

NM_006389.5(HYOU1):c.2071A>T (p.Arg691Trp)

Gene: HYOU1 (hypoxia up-regulated 1; minus strand). Cytogenetic location: 11q23.3.
Variant type: single nucleotide variant.
Coding change: c.2071A>T on transcript NM_006389.5 (MANE Select); coding-DNA position 2071, A replaced by T.
Protein change: p.Arg691Trp; replaces arginine 691 with tryptophan.
Molecular consequence: missense variant.
Genome position (GRCh38, 1-based): chr11:119,048,808, T>A on the plus strand (A>T on the coding strand, the complement: HYOU1 is on the minus strand). VCF-style: chr11-119048808-T-A. GRCh37 (hg19) VCF-style: chr11-118919520-T-A.
Other names: c.2071A>T, p.Arg691Trp (NM_001130991.3); short protein forms R691W.
Identifiers: ClinVar variation 1523556 (VCV001523556.6), dbSNP rs926056665, ClinGen allele CA382927347.

ClinVar aggregate classification (germline): Uncertain significance (1 of 4 stars; one submission).

Submission:

Labcorp Genetics (formerly Invitae), Labcorp
Classification: Uncertain significance. Last evaluated: 2021-02-13. Review status: criteria provided, single submitter. Criteria: Invitae Variant Classification Sherloc (09022015). Collection method: clinical testing. Allele origin: germline.
Comment: In summary, the available evidence is currently insufficient to determine the role of this variant in disease. Therefore, it has been classified as a Variant of Uncertain Significance. Algorithms developed to predict the effect of missense changes on protein structure and function are either unavailable or do not agree on the potential impact of this missense change (SIFT: "Not Available"; PolyPhen-2: "Probably Damaging"; Align-GVGD: "Not Available"). This variant has not been reported in the literature in individuals with HYOU1-related conditions. This variant is not present in population databases (ExAC no frequency). This sequence change replaces arginine with tryptophan at codon 691 of the HYOU1 protein (p.Arg691Trp). The arginine residue is weakly conserved and there is a moderate physicochemical difference between arginine and tryptophan.